The following is an entry in ClinVar:

ClinVar aggregate classification (germline): Likely benign (1 of 4 stars; one submission).

gnomAD v4.1: 1 of 1,614,218 alleles (0.000062%); highest among the groups gnomAD compares: African/African-American, 0.0013%; no homozygotes.

Submission:

CeGaT Center for Human Genetics Tuebingen
Classification: Likely benign. Last evaluated: 2023-07-01. Review status: criteria provided, single submitter. Criteria: CeGaT Center For Human Genetics Tuebingen Variant Classification Criteria Version 2. Collection method: clinical testing. Allele origin: germline. Affected: yes. Observed: 1 variant allele.
Comment: ATXN1: PM2:Supporting, BP4, BP7

NM_001128164.2(ATXN1):c.2214C>T (p.Leu738=)

Gene: ATXN1 (ataxin 1; minus strand). Cytogenetic location: 6p22.3.
Variant type: single nucleotide variant.
Coding change: c.2214C>T on transcript NM_001128164.2 (MANE Select); coding-DNA position 2214, C replaced by T.
Protein change: p.Leu738=; no amino-acid change (leucine 738 retained).
Molecular consequence: synonymous variant. On other transcripts: 3 prime UTR variant (1).
Genome position (GRCh38, 1-based): chr6:16,306,563, G>A on the plus strand (C>T on the coding strand, the complement: ATXN1 is on the minus strand). VCF-style: chr6-16306563-G-A. GRCh37 (hg19) VCF-style: chr6-16306794-G-A.
Other names: c.*1627C>T (NM_001357857.2); c.2214C>T, p.Leu738= (NM_000332.4).
Identifiers: ClinVar variation 2656247 (VCV002656247.24), dbSNP rs377559897, ClinGen allele CA448954360.